The following is an entry in ClinVar:

NM_001386298.1(CIC):c.3133G>A (p.Gly1045Arg)

Gene: CIC (capicua transcriptional repressor; plus strand). Cytogenetic location: 19q13.2.
Variant type: single nucleotide variant.
Coding change: c.3133G>A on transcript NM_001386298.1 (MANE Select); coding-DNA position 3133, G replaced by A.
Protein change: p.Gly1045Arg; replaces glycine 1045 with arginine.
Molecular consequence: missense variant.
Genome position (GRCh38, 1-based): chr19:42,287,194, G>A. VCF-style: chr19-42287194-G-A. GRCh37 (hg19) VCF-style: chr19-42791346-G-A.
Other names: c.3133G>A, p.Gly1045Arg (NM_001304815.2, NM_001379480.1, NM_001379482.1); c.406G>A, p.Gly136Arg (NM_001379484.1, NM_001379485.1, NM_015125.5); short protein forms G1045R, G136R.
Identifiers: ClinVar variation 3603200 (VCV003603200.1).

ClinVar aggregate classification (germline): Uncertain significance (1 of 4 stars; one submission).

gnomAD v4.1: 1 of 1,613,596 alleles (0.000062%); highest among the groups gnomAD compares: African/African-American, 0.0013%; no homozygotes.

Submission:

GeneDx
Classification: Uncertain significance. Last evaluated: 2024-08-05. Review status: criteria provided, single submitter. Criteria: GeneDx Variant Classification Process June 2021. Collection method: clinical testing. Allele origin: germline. Affected: yes.
Comment: Not observed at significant frequency in large population cohorts (gnomAD); In silico analysis indicates that this missense variant does not alter protein structure/function; Has not been previously published as pathogenic or benign to our knowledge